The following is an entry in ClinVar:

ClinVar aggregate classification (germline): Uncertain significance. Review status: reviewed by expert panel (3 of 4 stars). 4 submissions from 4 submitters: Uncertain significance (1). 3 of the submissions do not count toward it. Last evaluated 2018-12-10.

Conditions:
Phenylketonuria (PKU). Also called: Phenylketonuria (PKU); FOLLING DISEASE; OLIGOPHRENIA PHENYLPYRUVICA; Phenylketonurias. Identifiers: Orphanet 716, MedGen C0031485, MONDO:0009861, OMIM 261600. Disease mechanism: loss of function.

Submissions (4):

ClinGen PAH Variant Curation Expert Panel
Classification: Uncertain significance for Phenylketonuria. Last evaluated: 2018-12-10. Review status: reviewed by expert panel. Criteria: ClinGen PAH ACMG Specifications v1. Collection method: curation. Allele origin: germline. Inheritance: Autosomal recessive inheritance.
Comment: DHPR activity, biopterin and/or pteridine analysis was performed to rule out other causes of hyperphenylalaninemia. (PMID: 21307867). This variant is absent from ExAC, gnomAD, 1000G, and ESP. A deleterious effect is predicted in SIFT, Polyphen2, MutationTaster, and REVEL=0.982. In summary, this variant meets criteria to be classified as uncertain significance for PAH. PAH-specific ACMG/AMP criteria applied: PM2, PP4_Moderate, PP3.

Labcorp Genetics (formerly Invitae), Labcorp
Classification: Pathogenic for Phenylketonuria. Last evaluated: 2026-01-28. Review status: criteria provided, single submitter. Criteria: Invitae Variant Classification Sherloc (09022015). Collection method: clinical testing. Allele origin: germline. Not counted in ClinVar's aggregate classification.
Comment: This sequence change replaces cysteine, which is neutral and slightly polar, with tyrosine, which is neutral and polar, at codon 217 of the PAH protein (p.Cys217Tyr). This variant is not present in population databases (gnomAD no frequency). This missense change has been observed in individual(s) with phenylketonuria (PMID: 21307867, 26322415, 29499199). In at least one individual the data is consistent with being in trans (on the opposite chromosome) from a pathogenic variant. ClinVar contains an entry for this variant (Variation ID: 102772). Invitae Evidence Modeling of protein sequence and biophysical properties (such as structural, functional, and spatial information, amino acid conservation, physicochemical variation, residue mobility, and thermodynamic stability) indicates that this missense variant is expected to disrupt PAH protein function with a positive predictive value of 80%. This variant disrupts the p.Cys217 amino acid residue in PAH. Other variant(s) that disrupt this residue have been determined to be pathogenic (PMID: 18798839, 29499199, 32668217). This suggests that this residue is clinically significant, and that variants that disrupt this residue are likely to be disease-causing. For these reasons, this variant has been classified as Pathogenic.

Fulgent Genetics
Classification: Uncertain significance for Phenylketonuria. Last evaluated: 2021-10-15. Review status: criteria provided, single submitter. Criteria: ACMG Guidelines, 2015. Collection method: clinical testing. Allele origin: unknown. Not counted in ClinVar's aggregate classification.

DeBelle Laboratory for Biochemical Genetics, MUHC/MCH RESEARCH INSTITUTE
No classification provided. Review status: no classification provided. Collection method: not provided. Allele origin: not provided. Not counted in ClinVar's aggregate classification.

Literature cited by the submitters: PubMed 21307867 (cited by ClinGen PAH Variant Curation Expert Panel and Labcorp Genetics (formerly Invitae), Labcorp); PubMed 26322415 (cited by Labcorp Genetics (formerly Invitae), Labcorp); PubMed 29499199 (cited by Labcorp Genetics (formerly Invitae), Labcorp); PubMed 18798839 (cited by Labcorp Genetics (formerly Invitae), Labcorp); PubMed 32668217 (cited by Labcorp Genetics (formerly Invitae), Labcorp).

NM_000277.3(PAH):c.650G>A (p.Cys217Tyr)

Gene: PAH (phenylalanine hydroxylase; minus strand). Cytogenetic location: 12q23.2.
Variant type: single nucleotide variant.
Coding change: c.650G>A on transcript NM_000277.3 (MANE Select); coding-DNA position 650, G replaced by A.
Protein change: p.Cys217Tyr; replaces cysteine 217 with tyrosine.
Molecular consequence: missense variant.
Genome position (GRCh38, 1-based): chr12:102,855,192, C>T on the plus strand (G>A on the coding strand, the complement: PAH is on the minus strand). VCF-style: chr12-102855192-C-T. GRCh37 (hg19) VCF-style: chr12-103248970-C-T.
Other names: NM_000277.2(PAH):c.650G>A; c.650G>A, p.Cys217Tyr (NM_001354304.2); short protein forms C217Y.
Identifiers: ClinVar variation 102772 (VCV000102772.6), dbSNP rs62508617, ClinGen allele CA229674.